The following is an entry in ClinVar:

NM_020919.4(ALS2):c.4363A>G (p.Thr1455Ala)

Gene: ALS2 (alsin Rho guanine nucleotide exchange factor ALS2; minus strand). Cytogenetic location: 2q33.1.
Variant type: single nucleotide variant.
Coding change: c.4363A>G on transcript NM_020919.4 (MANE Select); coding-DNA position 4363, A replaced by G.
Protein change: p.Thr1455Ala; replaces threonine 1455 with alanine.
Molecular consequence: missense variant.
Genome position (GRCh38, 1-based): chr2:201,707,909, T>C on the plus strand (A>G on the coding strand, the complement: ALS2 is on the minus strand). VCF-style: chr2-201707909-T-C. GRCh37 (hg19) VCF-style: chr2-202572632-T-C.
Other names: c.4360A>G, p.Thr1454Ala (NM_001410975.1); short protein forms T1454A, T1455A.
Identifiers: ClinVar variation 2154456 (VCV002154456.4), dbSNP rs927679453, ClinGen allele CA350322534.

ClinVar aggregate classification (germline): Uncertain significance (1 of 4 stars; one submission).

Conditions:
Infantile-onset ascending hereditary spastic paralysis (IAHSP). Also called: Autosomal Recessive Juvenile Amyotrophic Lateral Sclerosis; Infantile-Onset Ascending Hereditary Spastic Paralysis (IAHSP). Identifiers: Orphanet 293168, MedGen C2931441, MONDO:0011797, OMIM 607225. Disease mechanism: loss of function.

Allele frequency attached by ClinVar (database versions not stated): TOPMed below 0.00001; gnomAD 0.00001.
gnomAD v4.1: 8 of 1,613,484 alleles (0.0005%); highest among the groups gnomAD compares: Non-Finnish European, 0.00059%; no homozygotes.

Submission:

Labcorp Genetics (formerly Invitae), Labcorp
Classification: Uncertain significance for Infantile-onset ascending hereditary spastic paralysis. Last evaluated: 2022-07-07. Review status: criteria provided, single submitter. Criteria: Invitae Variant Classification Sherloc (09022015). Collection method: clinical testing. Allele origin: germline.
Comment: In summary, the available evidence is currently insufficient to determine the role of this variant in disease. Therefore, it has been classified as a Variant of Uncertain Significance. Algorithms developed to predict the effect of missense changes on protein structure and function (SIFT, PolyPhen-2, Align-GVGD) all suggest that this variant is likely to be tolerated. This variant has not been reported in the literature in individuals affected with ALS2-related conditions. This variant is not present in population databases (gnomAD no frequency). This sequence change replaces threonine, which is neutral and polar, with alanine, which is neutral and non-polar, at codon 1455 of the ALS2 protein (p.Thr1455Ala).